The following is an entry in ClinVar:

NM_004369.4(COL6A3):c.6492C>A (p.Ser2164Arg)

Gene: COL6A3 (collagen type VI alpha 3 chain; minus strand). Cytogenetic location: 2q37.3.
Variant type: single nucleotide variant.
Coding change: c.6492C>A on transcript NM_004369.4 (MANE Select); coding-DNA position 6492, C replaced by A.
Protein change: p.Ser2164Arg; replaces serine 2164 with arginine.
Molecular consequence: missense variant.
Genome position (GRCh38, 1-based): chr2:237,357,862, G>T on the plus strand (C>A on the coding strand, the complement: COL6A3 is on the minus strand). VCF-style: chr2-237357862-G-T. GRCh37 (hg19) VCF-style: chr2-238266505-G-T.
Other names: c.4671C>A, p.Ser1557Arg (NM_057166.5); c.5874C>A, p.Ser1958Arg (NM_057167.4); short protein forms S1557R, S1958R, S2164R.
Identifiers: ClinVar variation 3696599 (VCV003696599.2).

ClinVar aggregate classification (germline): Uncertain significance (1 of 4 stars; one submission).

Conditions:
Bethlem myopathy 1A. Also called: MYOPATHY, BENIGN CONGENITAL, WITH CONTRACTURES; Bethlem myopathy 1; Bethlem Muscular Dystrophy. Identifiers: Orphanet 610, MedGen CN029274, MONDO:0024530, OMIM 158810.

Submission:

Labcorp Genetics (formerly Invitae), Labcorp
Classification: Uncertain significance for Bethlem myopathy 1A. Last evaluated: 2024-12-20. Review status: criteria provided, single submitter. Criteria: Invitae Variant Classification Sherloc (09022015). Collection method: clinical testing. Allele origin: germline.
Comment: This sequence change replaces serine, which is neutral and polar, with arginine, which is basic and polar, at codon 2164 of the COL6A3 protein (p.Ser2164Arg). This variant is not present in population databases (gnomAD no frequency). This variant has not been reported in the literature in individuals affected with COL6A3-related conditions. Invitae Evidence Modeling of protein sequence and biophysical properties (such as structural, functional, and spatial information, amino acid conservation, physicochemical variation, residue mobility, and thermodynamic stability) has been performed for this missense variant. However, the output from this modeling did not meet the statistical confidence thresholds required to predict the impact of this variant on COL6A3 protein function. In summary, the available evidence is currently insufficient to determine the role of this variant in disease. Therefore, it has been classified as a Variant of Uncertain Significance.